The following is an entry in ClinVar:

NM_018012.4(KIF26B):c.5304C>A (p.Gly1768=)

Gene: KIF26B (kinesin family member 26B; plus strand). Cytogenetic location: 1q44.
Variant type: single nucleotide variant.
Coding change: c.5304C>A on transcript NM_018012.4 (MANE Select); coding-DNA position 5304, C replaced by A.
Protein change: p.Gly1768=; no amino-acid change (glycine 1768 retained).
Molecular consequence: synonymous variant.
Genome position (GRCh38, 1-based): chr1:245,688,287, C>A. VCF-style: chr1-245688287-C-A. GRCh37 (hg19) VCF-style: chr1-245851589-C-A.
Identifiers: ClinVar variation 789877 (VCV000789877.30), dbSNP rs202102649, ClinGen allele CA1488653.
Genomic context (GRCh38, chr1:245,688,287, plus strand): 5'-GTCCGCCTCCACCACCAAAACCCTCAGCTTCTCCACCAAGTCCCTGCCGCAGGCGGTGGG[C>A]CAGGGCTCCAGCTCGCCCCCCGGTGGGAAGCACACGCCCTGGTCCACGCAGTCCCTCAGC-3'
Protein context (NP_060482.2, residues 1758-1778): FSTKSLPQAV[Gly1768=]QGSSSPPGGK

ClinVar aggregate classification (germline): Benign/Likely benign. Review status: criteria provided, multiple submitters, no conflicts (2 of 4 stars). 4 submissions from 4 submitters: Benign (2); Likely benign (1). 1 of the submissions does not count toward it. Last evaluated 2023-01-01.

Conditions:
KIF26B-related disorder. Also called: KIF26B-related condition.

Allele frequency attached by ClinVar (database versions not stated): 1000 Genomes Project 30x 0.00125; 1000 Genomes Project 0.00140; gnomAD exomes 0.00326; ExAC 0.00344; gnomAD 0.00352 and 0.00354; TOPMed 0.00371; ESP Exome Variant Server 0.00272.
gnomAD v4.1: 7,723 of 1,596,350 alleles (0.48%); highest among the groups gnomAD compares: Middle Eastern, 1.7%; 29 homozygotes.

Submissions (4):

CeGaT Center for Human Genetics Tuebingen
Classification: Likely benign. Last evaluated: 2023-01-01. Review status: criteria provided, single submitter. Criteria: CeGaT Center For Human Genetics Tuebingen Variant Classification Criteria Version 2. Collection method: clinical testing. Allele origin: germline. Affected: yes. Observed: 1 variant allele.
Comment: KIF26B: BP4, BP7, BS2

Labcorp Genetics (formerly Invitae), Labcorp
Classification: Benign. Last evaluated: 2019-12-31. Review status: criteria provided, single submitter. Criteria: Invitae Variant Classification Sherloc (09022015). Collection method: clinical testing. Allele origin: germline.

Breakthrough Genomics
Classification: Benign. Review status: criteria provided, single submitter. Criteria: ACMG Guidelines, 2015. Collection method: not provided. Allele origin: germline. Inheritance: Unknown mechanism. Affected: yes.

PreventionGenetics, part of Exact Sciences
Classification: Likely benign for KIF26B-related condition. Last evaluated: 2019-03-21. Review status: no assertion criteria provided. Collection method: clinical testing. Allele origin: germline. Not counted in ClinVar's aggregate classification.
Comment: This variant is classified as likely benign based on ACMG/AMP sequence variant interpretation guidelines (Richards et al. 2015 PMID: 25741868, with internal and published modifications).